The following is an entry in ClinVar:

NM_020975.6(RET):c.1610C>A (p.Pro537Gln)

Gene: RET (ret proto-oncogene; plus strand). Cytogenetic location: 10q11.21.
Variant type: single nucleotide variant.
Coding change: c.1610C>A on transcript NM_020975.6 (MANE Select); coding-DNA position 1610, C replaced by A.
Protein change: p.Pro537Gln; replaces proline 537 with glutamine.
Molecular consequence: missense variant.
Genome position (GRCh38, 1-based): chr10:43,112,186, C>A. VCF-style: chr10-43112186-C-A. GRCh37 (hg19) VCF-style: chr10-43607634-C-A.
Other names: c.161C>A, p.Pro54Gln (NM_001406793.1, NM_001406794.1, NM_001406792.1); c.1610C>A, p.Pro537Gln (NM_020630.7, NM_001406743.1, NM_001406744.1 and 4 more transcripts); c.1172C>A, p.Pro391Gln (NM_001406773.1, NM_001406771.1); c.1085C>A, p.Pro362Gln (NM_001406774.1); c.884C>A, p.Pro295Gln (NM_001406775.1, NM_001406776.1, NM_001406777.1 and 1 more transcripts); c.713C>A, p.Pro238Gln (NM_001406779.1, NM_001406780.1, NM_001406781.1 and 3 more transcripts); c.584C>A, p.Pro195Gln (NM_001406783.1, NM_001406786.1); c.620C>A, p.Pro207Gln (NM_001406784.1); and 5 more; short protein forms P207Q, P537Q, P238Q, P283Q, P295Q, P54Q, P142Q, P391Q.
Identifiers: ClinVar variation 3788308 (VCV003788308.3).

ClinVar aggregate classification (germline): Uncertain significance. Review status: criteria provided, multiple submitters, no conflicts (2 of 4 stars). 3 submissions from 3 submitters: Uncertain significance (3). Last evaluated 2026-01-04.

Conditions:
Hereditary cancer-predisposing syndrome. Also called: Hereditary Cancer Syndrome; Neoplastic Syndromes, Hereditary; Tumor predisposition; Hereditary neoplastic syndrome. Identifiers: Orphanet 140162, MedGen C0027672, MeSH D009386, MONDO:0015356.
RET-related disorder. Also called: RET-related condition; RET-related disease; RET-related disorders.
Multiple endocrine neoplasia, type 2 (MEN2). Identifiers: Orphanet 653, MedGen C4048306, MONDO:0019003. Disease mechanism: gain of function.

Submissions (3):

Labcorp Genetics (formerly Invitae), Labcorp
Classification: Uncertain significance for Multiple endocrine neoplasia, type 2. Last evaluated: 2026-01-04. Review status: criteria provided, single submitter. Criteria: Invitae Variant Classification Sherloc (09022015). Collection method: clinical testing. Allele origin: germline.
Comment: This sequence change replaces proline, which is neutral and non-polar, with glutamine, which is neutral and polar, at codon 537 of the RET protein (p.Pro537Gln). This variant is not present in population databases (gnomAD no frequency). This variant has not been reported in the literature in individuals affected with RET-related conditions. ClinVar contains an entry for this variant (Variation ID: 3788308). An algorithm developed to predict the effect of missense changes on protein structure and function (PolyPhen-2) suggests that this variant is likely to be disruptive. In summary, the available evidence is currently insufficient to determine the role of this variant in disease. Therefore, it has been classified as a Variant of Uncertain Significance.

PreventionGenetics, part of Exact Sciences
Classification: Uncertain significance for RET-related condition. Last evaluated: 2025-05-20. Review status: criteria provided, single submitter. Criteria: ACMG Guidelines, 2015. Collection method: clinical testing. Allele origin: germline.
Comment: The RET c.1610C>A variant is predicted to result in the amino acid substitution p.Pro537Gln. To our knowledge, this variant has not been reported in the literature or in a large population database (gnomAD), indicating this variant is rare. At this time, the clinical significance of this variant is uncertain due to the absence of conclusive functional and genetic evidence.

Ambry Genetics
Classification: Uncertain significance for Hereditary cancer-predisposing syndrome. Last evaluated: 2024-12-19. Review status: criteria provided, single submitter. Criteria: Ambry Variant Classification Scheme 2023. Collection method: clinical testing. Allele origin: germline.
Comment: The p.P537Q variant (also known as c.1610C>A), located in coding exon 8 of the RET gene, results from a C to A substitution at nucleotide position 1610. The proline at codon 537 is replaced by glutamine, an amino acid with similar properties. This amino acid position is conserved. In addition, the in silico prediction for this alteration is inconclusive. Based on the available evidence, the clinical significance of this variant remains unclear.